The following is an entry in ClinVar:

NM_000355.4(TCN2):c.*127C>T

Gene: TCN2 (transcobalamin 2; plus strand). Cytogenetic location: 22q12.2.
Variant type: single nucleotide variant.
Coding change: c.*127C>T on transcript NM_000355.4 (MANE Select); 127 bases downstream of the stop codon, C replaced by T.
Molecular consequence: 3 prime UTR variant.
Genome position (GRCh38, 1-based): chr22:30,626,648, C>T. VCF-style: chr22-30626648-C-T. GRCh37 (hg19) VCF-style: chr22-31022635-C-T.
Other names: c.*127C>T (NM_001184726.2).
Identifiers: ClinVar variation 341219 (VCV000341219.9), dbSNP rs12160073, ClinGen allele CA10651080.
Genomic context (GRCh38, chr22:30,626,648, plus strand): 5'-CCTGGAACAGGAACTCGCCTGACCCTGCTGCCACCTCCTGTGCACTTTGAGCAATGCCCC[C>T]TGGGATCACCCCAGCCACAAGCCCTTCGAGGGCCCTATACCATGGCCCACCTTGGAGCAG-3'

ClinVar aggregate classification (germline): Benign. Review status: criteria provided, multiple submitters, no conflicts (2 of 4 stars). 3 submissions from 3 submitters: Benign (3). Last evaluated 2018-07-15.

Conditions:
Transcobalamin II deficiency (TCN2D). Also called: TC II DEFICIENCY; TCN2 DEFICIENCY; Transcolabamin II deficiency. Identifiers: Orphanet 859, MedGen C0342701, MONDO:0010149, OMIM 275350.

Allele frequency attached by ClinVar (database versions not stated): gnomAD exomes 0.16546; 1000 Genomes Project 30x 0.06621; 1000 Genomes Project 0.06749; TOPMed 0.13164; gnomAD 0.13512 and 0.13925.
gnomAD v4.1: 164,860 of 1,024,286 alleles (16%); highest among the groups gnomAD compares: Non-Finnish European, 19%; 15,173 homozygotes.

Submissions (3):

GeneDx
Classification: Benign. Last evaluated: 2018-07-15. Review status: criteria provided, single submitter. Criteria: GeneDx Variant Classification Process June 2021. Collection method: clinical testing. Allele origin: germline. Affected: yes.

Illumina Laboratory Services, Illumina
Classification: Benign for Transcobalamin II deficiency. Last evaluated: 2018-01-13. Review status: criteria provided, single submitter. Criteria: ICSL Variant Classification Criteria 13 December 2019. Collection method: clinical testing. Allele origin: germline.
Comment: This variant was observed in the ICSL laboratory as part of a predisposition screen in an ostensibly healthy population. It had not been previously curated by ICSL or reported in the Human Gene Mutation Database (HGMD: prior to June 1st, 2018), and was therefore a candidate for classification through an automated scoring system. Utilizing variant allele frequency, disease prevalence and penetrance estimates, and inheritance mode, an automated score was calculated to assess if this variant is too frequent to cause the disease. Based on the score and internal cut-off values, a variant classified as benign is not then subjected to further curation. The score for this variant resulted in a classification of benign for this disease.

Breakthrough Genomics
Classification: Benign. Review status: criteria provided, single submitter. Criteria: ACMG Guidelines, 2015. Collection method: not provided. Allele origin: germline. Inheritance: Autosomal recessive inheritance. Affected: yes.